The following is an entry in ClinVar:

NM_001267550.2(TTN):c.92629G>A (p.Val30877Met)

Genes: TTN (titin; minus strand), TTN-AS1 (TTN antisense RNA 1; plus strand). Cytogenetic location: 2q31.2.
Variant type: single nucleotide variant.
Coding change: c.92629G>A on transcript NM_001267550.2 (MANE Select); coding-DNA position 92629, G replaced by A.
Protein change: p.Val30877Met; replaces valine 30877 with methionine.
Molecular consequence: missense variant.
Genome position (GRCh38, 1-based): chr2:178,548,997, C>T on the plus strand (G>A on the coding strand, the complement: TTN is on the minus strand). VCF-style: chr2-178548997-C-T. GRCh37 (hg19) VCF-style: chr2-179413724-C-T.
Other names: c.87706G>A, p.Val29236Met (NM_001256850.1); c.65434G>A, p.Val21812Met (NM_003319.4); c.84925G>A, p.Val28309Met (NM_133378.4); c.65809G>A, p.Val21937Met (NM_133432.3); c.66010G>A, p.Val22004Met (NM_133437.4); short protein forms V22004M, V28309M, V29236M, V21937M, V21812M, V30877M.
Identifiers: ClinVar variation 1754122 (VCV001754122.2), dbSNP rs2469149031, ClinGen allele CA349492281.

ClinVar aggregate classification (germline): Uncertain significance (1 of 4 stars; one submission).

Conditions:
Cardiovascular phenotype. Identifiers: MedGen CN230736.

Allele frequency attached by ClinVar (database versions not stated): gnomAD exomes below 0.00001.
gnomAD v4.1: 2 of 1,613,906 alleles (0.00012%); highest among the groups gnomAD compares: South Asian, 0.0011%; no homozygotes.

Submission:

Ambry Genetics
Classification: Uncertain significance for Cardiovascular phenotype. Last evaluated: 2020-08-18. Review status: criteria provided, single submitter. Criteria: Ambry Variant Classification Scheme 2023. Collection method: clinical testing. Allele origin: germline.
Comment: The p.V21812M variant (also known as c.65434G>A), located in coding exon 166 of the TTN gene, results from a G to A substitution at nucleotide position 65434. The valine at codon 21812 is replaced by methionine, an amino acid with highly similar properties. This amino acid position is not well conserved in available vertebrate species. In addition, this alteration is predicted to be tolerated by in silico analysis. Since supporting evidence is limited at this time, the clinical significance of this alteration remains unclear.